The following is an entry in ClinVar:

NM_000234.3(LIG1):c.108-34C>T

Gene: LIG1 (DNA ligase 1; minus strand). Cytogenetic location: 19q13.33.
Variant type: single nucleotide variant.
Coding change: c.108-34C>T on transcript NM_000234.3 (MANE Select); 34 bases into the intron before coding-DNA position 108, C replaced by T.
Molecular consequence: intron variant.
Genome position (GRCh38, 1-based): chr19:48,161,541, G>A on the plus strand (C>T on the coding strand, the complement: LIG1 is on the minus strand). VCF-style: chr19-48161541-G-A. GRCh37 (hg19) VCF-style: chr19-48664798-G-A.
Other names: c.18-34C>T (NM_001289063.2, NM_001320971.2); c.108-34C>T (NM_001289064.2, NM_001320970.2).
Identifiers: ClinVar variation 2628147 (VCV002628147.2), dbSNP rs3730862, ClinGen allele CA9547430.

ClinVar aggregate classification (germline): Benign (1 of 4 stars; one submission).

Allele frequency attached by ClinVar (database versions not stated): ESP Exome Variant Server 0.28387; TOPMed 0.28763; gnomAD 0.30203; 1000 Genomes Project 30x 0.30996; 1000 Genomes Project 0.32089; ExAC 0.35679; gnomAD exomes 0.37251.
gnomAD v4.1: 588,554 of 1,609,750 alleles (37%); highest among the groups gnomAD compares: East Asian, 56%; 112,434 homozygotes.

Submission:

Unidad de Genómica Garrahan, Hospital de Pediatría Garrahan
Classification: Benign. Last evaluated: 2023-11-12. Review status: criteria provided, single submitter. Criteria: ACMG Guidelines, 2015. Collection method: clinical testing. Allele origin: germline. Affected: no. Observed: 55 variant alleles.
Comment: This variant is classified as Benign based on local population frequency. This variant was detected in 57% of patients studied by a panel of primary immunodeficiencies. Number of patients: 55. Only high quality variants are reported.